The following is an entry in ClinVar:

ClinVar aggregate classification (germline): Uncertain significance. Review status: criteria provided, multiple submitters, no conflicts (2 of 4 stars). 2 submissions from 2 submitters: Uncertain significance (2). Last evaluated 2023-05-15.

Allele frequency attached by ClinVar (database versions not stated): gnomAD exomes 0.00002; ExAC 0.00005; gnomAD 0.00012; ESP Exome Variant Server 0.00015; TOPMed 0.00019.

Submissions (2):

Ambry Genetics
Classification: Uncertain significance. Last evaluated: 2023-05-15. Review status: criteria provided, single submitter. Criteria: Ambry Variant Classification Scheme 2023. Collection method: clinical testing. Allele origin: germline.

Labcorp Genetics (formerly Invitae), Labcorp
Classification: Uncertain significance. Last evaluated: 2022-01-15. Review status: criteria provided, single submitter. Criteria: Invitae Variant Classification Sherloc (09022015). Collection method: clinical testing. Allele origin: germline.
Comment: In summary, the available evidence is currently insufficient to determine the role of this variant in disease. Therefore, it has been classified as a Variant of Uncertain Significance. Algorithms developed to predict the effect of missense changes on protein structure and function are either unavailable or do not agree on the potential impact of this missense change (SIFT: "Deleterious"; PolyPhen-2: "Benign"; Align-GVGD: "Class C0"). This variant has not been reported in the literature in individuals affected with CHRM3-related conditions. This variant is present in population databases (rs149178518, gnomAD 0.04%). This sequence change replaces asparagine, which is neutral and polar, with lysine, which is basic and polar, at codon 339 of the CHRM3 protein (p.Asn339Lys).

NM_001375978.1(CHRM3):c.1017C>A (p.Asn339Lys)

Gene: CHRM3 (cholinergic receptor muscarinic 3; plus strand). Cytogenetic location: 1q43.
Variant type: single nucleotide variant.
Coding change: c.1017C>A on transcript NM_001375978.1 (MANE Select); coding-DNA position 1017, C replaced by A.
Protein change: p.Asn339Lys; replaces asparagine 339 with lysine.
Molecular consequence: missense variant.
Genome position (GRCh38, 1-based): chr1:239,908,468, C>A. VCF-style: chr1-239908468-C-A. GRCh37 (hg19) VCF-style: chr1-240071768-C-A.
Other names: c.1017C>A, p.Asn339Lys (NM_000740.4, NM_001347716.2, NM_001375979.1 and 6 more transcripts); c.1017C>A (NM_000740.2); short protein forms N339K.
Identifiers: ClinVar variation 2174887 (VCV002174887.6), dbSNP rs149178518, ClinGen allele CA1475860.